The following is an entry in ClinVar:

NM_006033.4(LIPG):c.814T>C (p.Cys272Arg)

Gene: LIPG (lipase G, endothelial type; plus strand). Cytogenetic location: 18q21.1.
Variant type: single nucleotide variant.
Coding change: c.814T>C on transcript NM_006033.4 (MANE Select); coding-DNA position 814, T replaced by C.
Protein change: p.Cys272Arg; replaces cysteine 272 with arginine.
Molecular consequence: missense variant.
Genome position (GRCh38, 1-based): chr18:49,581,435, T>C. VCF-style: chr18-49581435-T-C. GRCh37 (hg19) VCF-style: chr18-47107805-T-C.
Other names: c.592T>C, p.Cys198Arg (NM_001308006.2); short protein forms C272R, C198R.
Identifiers: ClinVar variation 4713885 (VCV004713885.1).

ClinVar aggregate classification (germline): Uncertain significance (1 of 4 stars; one submission).

gnomAD v4.1: 2 of 1,614,098 alleles (0.00012%); highest among the groups gnomAD compares: South Asian, 0.0011%; no homozygotes.

Submission:

Labcorp Genetics (formerly Invitae), Labcorp
Classification: Uncertain significance. Last evaluated: 2025-02-26. Review status: criteria provided, single submitter. Criteria: Invitae Variant Classification Sherloc (09022015). Collection method: clinical testing. Allele origin: germline.
Comment: This sequence change replaces cysteine, which is neutral and slightly polar, with arginine, which is basic and polar, at codon 272 of the LIPG protein (p.Cys272Arg). This variant is not present in population databases (gnomAD no frequency). This variant has not been reported in the literature in individuals affected with LIPG-related conditions. An algorithm developed to predict the effect of missense changes on protein structure and function (PolyPhen-2) suggests that this variant is likely to be disruptive. In summary, the available evidence is currently insufficient to determine the role of this variant in disease. Therefore, it has been classified as a Variant of Uncertain Significance.